The following is an entry in ClinVar:

ClinVar aggregate classification (germline): Uncertain significance (1 of 4 stars; one submission).

Conditions:
Ichthyosis linearis circumflexa. Identifiers: MedGen C0265962, MONDO:0043106, HP:0025810.

Allele frequency attached by ClinVar (database versions not stated): gnomAD exomes below 0.00001; gnomAD 0.00001.
gnomAD v4.1: 3 of 1,611,968 alleles (0.00019%); highest among the groups gnomAD compares: South Asian, 0.0022%; no homozygotes.

Submission:

Labcorp Genetics (formerly Invitae), Labcorp
Classification: Uncertain significance for Ichthyosis linearis circumflexa. Last evaluated: 2022-03-16. Review status: criteria provided, single submitter. Criteria: Invitae Variant Classification Sherloc (09022015). Collection method: clinical testing. Allele origin: germline.
Comment: In summary, the available evidence is currently insufficient to determine the role of this variant in disease. Therefore, it has been classified as a Variant of Uncertain Significance. Algorithms developed to predict the effect of missense changes on protein structure and function are either unavailable or do not agree on the potential impact of this missense change (SIFT: "Tolerated"; PolyPhen-2: "Probably Damaging"; Align-GVGD: "Class C0"). This variant has not been reported in the literature in individuals affected with SPINK5-related conditions. This variant is not present in population databases (gnomAD no frequency). This sequence change replaces lysine, which is basic and polar, with arginine, which is basic and polar, at codon 424 of the SPINK5 protein (p.Lys424Arg).

NM_006846.4(SPINK5):c.1271A>G (p.Lys424Arg)

Gene: SPINK5 (serine peptidase inhibitor Kazal type 5; plus strand). Cytogenetic location: 5q32.
Variant type: single nucleotide variant.
Coding change: c.1271A>G on transcript NM_006846.4 (MANE Select); coding-DNA position 1271, A replaced by G.
Protein change: p.Lys424Arg; replaces lysine 424 with arginine.
Molecular consequence: missense variant.
Genome position (GRCh38, 1-based): chr5:148,101,405, A>G. VCF-style: chr5-148101405-A-G. GRCh37 (hg19) VCF-style: chr5-147480968-A-G.
Other names: c.1271A>G, p.Lys424Arg (NM_001127698.2, NM_001127699.2); short protein forms K424R.
Identifiers: ClinVar variation 1516291 (VCV001516291.8), dbSNP rs1753639021, ClinGen allele CA361636957.